The following is an entry in ClinVar:

NM_001127222.2(CACNA1A):c.6316C>A (p.Arg2106=)

Gene: CACNA1A (calcium voltage-gated channel subunit alpha1 A; minus strand). Cytogenetic location: 19p13.13.
Variant type: single nucleotide variant.
Coding change: c.6316C>A on transcript NM_001127222.2 (MANE Select); coding-DNA position 6316, C replaced by A.
Protein change: p.Arg2106=; no amino-acid change (arginine 2106 retained).
Molecular consequence: synonymous variant.
Genome position (GRCh38, 1-based): chr19:13,210,640, G>T on the plus strand (C>A on the coding strand, the complement: CACNA1A is on the minus strand). VCF-style: chr19-13210640-G-T. GRCh37 (hg19) VCF-style: chr19-13321454-G-T.
Other names: c.6334C>A, p.Arg2112= (NM_000068.4, NM_023035.3); c.6319C>A, p.Arg2107= (NM_001127221.2); c.6325C>A, p.Arg2109= (NM_001174080.2).
Identifiers: ClinVar variation 3772514 (VCV003772514.13).
Genomic context (GRCh38, chr19:13,210,640, plus strand): 5'-GGAGCCCTGCTGGGCGCTGGGCAGGCGCGGTACATACACTGAGGTTATTCCCACGTGGCC[G>T]GCCCCTTCTCCTCTGTCACAGCCCCATGGGATGGTGCACACAGAAAAAACAGAAAGAAGA-3'
Protein context (NP_001120694.1, residues 2096-2116): LPAENQRRRG[Arg2106=]PRGNNLSTIS

ClinVar aggregate classification (germline): Likely benign (1 of 4 stars; one submission).

gnomAD v4.1: 1 of 1,565,044 alleles (0.000064%); highest among the groups gnomAD compares: Admixed American, 0.0019%; no homozygotes.

Submission:

CeGaT Center for Human Genetics Tuebingen
Classification: Likely benign. Last evaluated: 2025-03-01. Review status: criteria provided, single submitter. Criteria: CeGaT Center For Human Genetics Tuebingen Variant Classification Criteria Version 2. Collection method: clinical testing. Allele origin: germline. Affected: yes. Observed: 1 variant allele.
Comment: CACNA1A: BP4, BP7